The following is an entry in ClinVar:

ClinVar aggregate classification (germline): Pathogenic (1 of 4 stars; one submission).

Conditions:
Hereditary breast ovarian cancer syndrome. Also called: Breast and ovarian cancer; BRCA1- and BRCA2-Associated Hereditary Breast and Ovarian Cancer; Hereditary breast and ovarian cancer; Hereditary breast and ovarian cancer syndrome (HBOC); Hereditary breast and/or ovarian cancer syndrome; Hereditary breast and ovarian cancer syndrome. Identifiers: Orphanet 145, MedGen C0677776, MeSH D061325, MONDO:0003582. Disease mechanism: loss of function.

Submission:

Labcorp Genetics (formerly Invitae), Labcorp
Classification: Pathogenic for Hereditary breast ovarian cancer syndrome. Last evaluated: 2019-02-24. Review status: criteria provided, single submitter. Criteria: Invitae Variant Classification Sherloc (09022015). Collection method: clinical testing. Allele origin: germline.
Comment: This variant has not been reported in the literature in individuals with BRCA1-related conditions. This variant is not present in population databases (ExAC no frequency). This sequence change creates a premature translational stop signal (p.Lys467Argfs*8) in the BRCA1 gene. It is expected to result in an absent or disrupted protein product. For these reasons, this variant has been classified as Pathogenic. Loss-of-function variants in BRCA1 are known to be pathogenic (PMID: 20104584).

Literature cited by the submitters: PubMed 20104584.

NM_007294.4(BRCA1):c.1398del (p.Lys467fs)

Gene: BRCA1 (BRCA1 DNA repair associated; minus strand). Cytogenetic location: 17q21.31.
Variant type: Deletion.
Coding change: c.1398del on transcript NM_007294.4 (MANE Select); coding-DNA position 1398, one base deleted (G; older notation c.1398delG).
Protein change: p.Lys467fs; shifts the reading frame from lysine 467.
Molecular consequence: frameshift variant. On other transcripts: intron variant (137).
Genome position (GRCh38, 1-based): chr17:43,094,133, C deleted on the plus strand (G on the coding strand, the reverse complement: BRCA1 is on the minus strand); the first of 2 consecutive C bases (chr17:43,094,133-43,094,134); deleting either gives the same sequence. VCF-style (leftmost placement, unchanged base first): chr17-43094132-TC-T. GRCh37 (hg19) VCF-style: chr17-41246149-TC-T.
Other names: c.1395del, p.Lys466fs (NM_001407638.1, NM_001407644.1, NM_001407645.1 and 22 more transcripts); c.1398del, p.Lys467fs (NM_001407639.1, NM_001407652.1, NM_001407640.1 and 30 more transcripts); c.1275del, p.Lys426fs (NM_001407648.1, NM_001407664.1, NM_001407665.1 and 19 more transcripts); c.1272del, p.Lys425fs (NM_001407649.1, NM_001407670.1, NM_001407671.1 and 11 more transcripts); c.1320del, p.Lys441fs (NM_001407653.1, NM_001407658.1, NM_001407663.1 and 4 more transcripts); c.1317del, p.Lys440fs (NM_001407659.1, NM_001407660.1, NM_001407661.1 and 1 more transcripts); c.1389del, p.Lys464fs (NM_001407646.1, NM_001407647.1); c.1185del, p.Lys396fs (NM_001407571.1, NM_001407853.1, NM_001407894.1 and 9 more transcripts); and 41 more; short protein forms K467fs, K420fs, K379fs, K419fs, K425fs, K171fs, K355fs, K396fs.
Identifiers: ClinVar variation 856569 (VCV000856569.9), dbSNP rs2053943650, ClinGen allele CA916080141.
Genomic context (GRCh38, chr17:43,094,132, plus strand): 5'-CAAATGCTCCTATAATTAGATTTTCAGTTACATGGCTTAAGTTGGGGAGGCTTGCCTTCT[TC>T]CGATAGGTTTTCCCAAATATTTTGTCTTCAATATTACTCTCTACTGATTTGGAGTGAACT-3'